The following is an entry in ClinVar:

ClinVar aggregate classification (germline): Uncertain significance. Review status: criteria provided, multiple submitters, no conflicts (2 of 4 stars). 3 submissions from 3 submitters: Uncertain significance (3). Last evaluated 2026-03-04.

Conditions:
Hereditary cancer-predisposing syndrome. Also called: Hereditary neoplastic syndrome; Tumor predisposition; Neoplastic Syndromes, Hereditary; Hereditary Cancer Syndrome. Identifiers: Orphanet 140162, MedGen C0027672, MeSH D009386, MONDO:0015356.

Submissions (3):

Ambry Genetics
Classification: Uncertain significance for Hereditary cancer-predisposing syndrome. Last evaluated: 2026-03-04. Review status: criteria provided, single submitter. Criteria: Ambry Variant Classification Scheme 2023. Collection method: clinical testing. Allele origin: germline.
Comment: The p.P710R variant (also known as c.2129C>G), located in coding exon 15 of the MSH3 gene, results from a C to G substitution at nucleotide position 2129. The proline at codon 710 is replaced by arginine, an amino acid with dissimilar properties. This amino acid position is conserved. In addition, the in silico prediction for this alteration is inconclusive. Based on the available evidence, the clinical significance of this variant remains unclear.

Labcorp Genetics (formerly Invitae), Labcorp
Classification: Uncertain significance. Last evaluated: 2022-02-09. Review status: criteria provided, single submitter. Criteria: Invitae Variant Classification Sherloc (09022015). Collection method: clinical testing. Allele origin: germline.
Comment: Algorithms developed to predict the effect of missense changes on protein structure and function are either unavailable or do not agree on the potential impact of this missense change (SIFT: "Tolerated"; PolyPhen-2: "Probably Damaging"; Align-GVGD: "Class C0"). In summary, the available evidence is currently insufficient to determine the role of this variant in disease. Therefore, it has been classified as a Variant of Uncertain Significance. ClinVar contains an entry for this variant (Variation ID: 1319198). This variant has not been reported in the literature in individuals affected with MSH3-related conditions. This variant is not present in population databases (gnomAD no frequency). This sequence change replaces proline, which is neutral and non-polar, with arginine, which is basic and polar, at codon 710 of the MSH3 protein (p.Pro710Arg).

Institute for Clinical Genetics, University Hospital TU Dresden, University Hospital TU Dresden
Classification: Uncertain significance. Last evaluated: 2021-11-03. Review status: criteria provided, single submitter. Criteria: ACMG Guidelines, 2015. Collection method: clinical testing. Allele origin: germline.

NM_002439.5(MSH3):c.2129C>G (p.Pro710Arg)

Gene: MSH3 (mutS homolog 3; plus strand). Cytogenetic location: 5q14.1.
Variant type: single nucleotide variant.
Coding change: c.2129C>G on transcript NM_002439.5 (MANE Select); coding-DNA position 2129, C replaced by G.
Protein change: p.Pro710Arg; replaces proline 710 with arginine.
Molecular consequence: missense variant.
Genome position (GRCh38, 1-based): chr5:80,768,879, C>G. VCF-style: chr5-80768879-C-G. GRCh37 (hg19) VCF-style: chr5-80064698-C-G.
Other names: c.2129C>G (NM_002439.3); short protein forms P710R.
Identifiers: ClinVar variation 1319198 (VCV001319198.8), dbSNP rs2112885148, ClinGen allele CA360279327.